The following is an entry in ClinVar:

ClinVar aggregate classification (germline): Uncertain significance (1 of 4 stars; one submission).

Submission:

GeneDx
Classification: Uncertain significance. Last evaluated: 2025-06-27. Review status: criteria provided, single submitter. Criteria: GeneDx Variant Classification Process June 2021. Collection method: clinical testing. Allele origin: germline. Affected: yes.
Comment: Not observed at significant frequency in large population cohorts (gnomAD); In silico analysis suggests that this missense variant does not alter protein structure/function; Has not been previously published as pathogenic or benign to our knowledge

NM_012398.3(PIP5K1C):c.1010G>A (p.Gly337Asp)

Gene: PIP5K1C (phosphatidylinositol-4-phosphate 5-kinase type 1 gamma; minus strand). Cytogenetic location: 19p13.3.
Variant type: single nucleotide variant.
Coding change: c.1010G>A on transcript NM_012398.3 (MANE Select); coding-DNA position 1010, G replaced by A.
Protein change: p.Gly337Asp; replaces glycine 337 with aspartic acid.
Molecular consequence: missense variant.
Genome position (GRCh38, 1-based): chr19:3,651,943, C>T on the plus strand (G>A on the coding strand, the complement: PIP5K1C is on the minus strand). VCF-style: chr19-3651943-C-T. GRCh37 (hg19) VCF-style: chr19-3651941-C-T.
Other names: c.1010G>A, p.Gly337Asp (NM_001195733.2, NM_001300849.2); short protein forms G337D.
Identifiers: ClinVar variation 4539924 (VCV004539924.1).